The following is an entry in ClinVar:

ClinVar aggregate classification (germline): Conflicting classifications of pathogenicity. Review status: criteria provided, conflicting classifications (1 of 4 stars). 3 submissions from 3 submitters: Uncertain significance (2); Likely benign (1). Last evaluated 2025-08-05.

Conditions:
Inborn genetic diseases. Identifiers: MedGen C0950123, MeSH D030342.

Allele frequency attached by ClinVar (database versions not stated): gnomAD 0.00001; gnomAD exomes 0.00003 and 0.00006; TOPMed 0.00006; ExAC 0.00008.
gnomAD v4.1: 19 of 1,614,040 alleles (0.0012%); highest among the groups gnomAD compares: Admixed American, 0.032%; 1 homozygote.

Submissions (3):

Ambry Genetics
Classification: Uncertain significance for Inborn genetic diseases. Last evaluated: 2025-08-05. Review status: criteria provided, single submitter. Criteria: Ambry Variant Classification Scheme 2023. Collection method: clinical testing. Allele origin: germline.

Labcorp Genetics (formerly Invitae), Labcorp
Classification: Uncertain significance. Last evaluated: 2025-01-20. Review status: criteria provided, single submitter. Criteria: Invitae Variant Classification Sherloc (09022015). Collection method: clinical testing. Allele origin: germline.
Comment: This sequence change replaces glutamic acid, which is acidic and polar, with alanine, which is neutral and non-polar, at codon 1634 of the SZT2 protein (p.Glu1634Ala). This variant is present in population databases (rs772997069, gnomAD 0.05%), including at least one homozygous and/or hemizygous individual. This variant has not been reported in the literature in individuals affected with SZT2-related conditions. ClinVar contains an entry for this variant (Variation ID: 589147). Invitae Evidence Modeling of protein sequence and biophysical properties (such as structural, functional, and spatial information, amino acid conservation, physicochemical variation, residue mobility, and thermodynamic stability) has been performed for this missense variant. However, the output from this modeling did not meet the statistical confidence thresholds required to predict the impact of this variant on SZT2 protein function. In summary, the available evidence is currently insufficient to determine the role of this variant in disease. Therefore, it has been classified as a Variant of Uncertain Significance.

GeneDx
Classification: Likely benign. Last evaluated: 2020-02-04. Review status: criteria provided, single submitter. Criteria: GeneDx Variant Classification Process June 2021. Collection method: clinical testing. Allele origin: germline. Affected: yes.

NM_001365999.1(SZT2):c.5072A>C (p.Glu1691Ala)

Gene: SZT2 (SZT2 subunit of KICSTOR complex; plus strand). Cytogenetic location: 1p34.2.
Variant type: single nucleotide variant.
Coding change: c.5072A>C on transcript NM_001365999.1 (MANE Select); coding-DNA position 5072, A replaced by C.
Protein change: p.Glu1691Ala; replaces glutamic acid 1691 with alanine.
Molecular consequence: missense variant.
Genome position (GRCh38, 1-based): chr1:43,431,507, A>C. VCF-style: chr1-43431507-A-C. GRCh37 (hg19) VCF-style: chr1-43897178-A-C.
Other names: c.4901A>C, p.Glu1634Ala (NM_015284.4); short protein forms E1634A, E1691A.
Identifiers: ClinVar variation 589147 (VCV000589147.18), dbSNP rs772997069, ClinGen allele CA809461.
Genomic context (GRCh38, chr1:43,431,507, plus strand): 5'-TTCTTCCAATTAGGCACCCAGGACTATCCAATTTGGCCACGCCCCACAGACTGGCTATTG[A>C]GACCACCATGAATGAGGTGAGCCCCCCACCCCCAACACTGTAACTGATTCCCTTTCCATC-3'
Protein context (NP_001352928.1, residues 1681-1701): NLATPHRLAI[Glu1691Ala]TTMNEIRWLL